The following is an entry in ClinVar:

ClinVar aggregate classification (germline): Uncertain significance (1 of 4 stars; one submission).

Submission:

Labcorp Genetics (formerly Invitae), Labcorp
Classification: Uncertain significance. Last evaluated: 2025-11-20. Review status: criteria provided, single submitter. Criteria: Invitae Variant Classification Sherloc (09022015). Collection method: clinical testing. Allele origin: germline.
Comment: This sequence change replaces glutamic acid, which is acidic and polar, with lysine, which is basic and polar, at codon 286 of the SAMD9L protein (p.Glu286Lys). This variant is present in population databases (no rsID available, gnomAD 0.005%). This variant has not been reported in the literature in individuals affected with SAMD9L-related conditions. An algorithm developed to predict the effect of missense changes on protein structure and function (PolyPhen-2) suggests that this variant is likely to be tolerated. In summary, the available evidence is currently insufficient to determine the role of this variant in disease. Therefore, it has been classified as a Variant of Uncertain Significance.

NM_152703.5(SAMD9L):c.856G>A (p.Glu286Lys)

Gene: SAMD9L (sterile alpha motif domain containing 9 like; minus strand). Cytogenetic location: 7q21.2.
Variant type: single nucleotide variant.
Coding change: c.856G>A on transcript NM_152703.5 (MANE Select); coding-DNA position 856, G replaced by A.
Protein change: p.Glu286Lys; replaces glutamic acid 286 with lysine.
Molecular consequence: missense variant.
Genome position (GRCh38, 1-based): chr7:93,135,116, C>T on the plus strand (G>A on the coding strand, the complement: SAMD9L is on the minus strand). VCF-style: chr7-93135116-C-T. GRCh37 (hg19) VCF-style: chr7-92764429-C-T.
Other names: c.856G>A, p.Glu286Lys (NM_001303496.3, NM_001303497.3, NM_001303498.3 and 5 more transcripts); short protein forms E286K.
Identifiers: ClinVar variation 4742406 (VCV004742406.1).
Genomic context (GRCh38, chr7:93,135,116, plus strand): 5'-CAATGACAAATCTGTCAGATGGTGTATTGTTCTGCAGAAGGACTTCCACAAACCTTGGCT[C>T]CCGAATACACTTCTTGGCTTCATTGATCTCACTTTCTTCAAAATACTTTTTGATCATTAC-3'
Protein context (NP_689916.2, residues 276-296): EINEAKKCIR[Glu286Lys]PRFVEVLLQN